The following is an entry in ClinVar:

NM_018249.6(CDK5RAP2):c.128-171G>A

Gene: CDK5RAP2 (CDK5 regulatory subunit associated protein 2; minus strand). Cytogenetic location: 9q33.2.
Variant type: single nucleotide variant.
Coding change: c.128-171G>A on transcript NM_018249.6 (MANE Select); 171 bases into the intron before coding-DNA position 128, G replaced by A.
Molecular consequence: intron variant.
Genome position (GRCh38, 1-based): chr9:120,568,559, C>T on the plus strand (G>A on the coding strand, the complement: CDK5RAP2 is on the minus strand). VCF-style: chr9-120568559-C-T. GRCh37 (hg19) VCF-style: chr9-123330837-C-T.
Other names: c.128-171G>A (NM_001272039.2, NM_001011649.3).
Identifiers: ClinVar variation 677440 (VCV000677440.1), dbSNP rs56308811, ClinGen allele CA12970090.
Genomic context (GRCh38, chr9:120,568,559, plus strand): 5'-CGCGGCTGGTACTTGCTGTCTTTTGTGATTTACTGATTTTGCTCCAGGGAAAGCTCTAAA[C>T]CATTAATTTACAAATTACTTAAACTAACCCCAAAGTAACAATGTGCACATCAGAGGATGA-3'

ClinVar aggregate classification (germline): Likely benign (1 of 4 stars; one submission).

Allele frequency attached by ClinVar (database versions not stated): 1000 Genomes Project 0.00859; 1000 Genomes Project 30x 0.00906; TOPMed 0.02186; gnomAD 0.02196 and 0.02281.
gnomAD v4.1: 3,355 of 152,286 alleles (2.2%); highest among the groups gnomAD compares: Non-Finnish European, 3.7%; 56 homozygotes.

Submission:

GeneDx
Classification: Likely benign. Last evaluated: 2018-06-16. Review status: criteria provided, single submitter. Criteria: GeneDx Variant Classification (06012015). Collection method: clinical testing. Allele origin: germline. Affected: yes.
Comment: This variant is considered likely benign or benign based on one or more of the following criteria: it is a conservative change, it occurs at a poorly conserved position in the protein, it is predicted to be benign by multiple in silico algorithms, and/or has population frequency not consistent with disease.